The following is an entry in ClinVar:

NM_004415.4(DSP):c.6474G>C (p.Leu2158Phe)

Gene: DSP (desmoplakin; plus strand). Cytogenetic location: 6p24.3.
Variant type: single nucleotide variant.
Coding change: c.6474G>C on transcript NM_004415.4 (MANE Select); coding-DNA position 6474, G replaced by C.
Protein change: p.Leu2158Phe; replaces leucine 2158 with phenylalanine.
Molecular consequence: missense variant.
Genome position (GRCh38, 1-based): chr6:7,583,736, G>C. VCF-style: chr6-7583736-G-C. GRCh37 (hg19) VCF-style: chr6-7583969-G-C.
Other names: c.4677G>C, p.Leu1559Phe (NM_001008844.3); c.5145G>C, p.Leu1715Phe (NM_001319034.2); short protein forms L1559F, L2158F, L1715F.
Identifiers: ClinVar variation 926788 (VCV000926788.4), dbSNP rs1759534911, ClinGen allele CA362690868.

ClinVar aggregate classification (germline): Uncertain significance (1 of 4 stars; one submission).

Conditions:
Cardiomyopathy (CMYO). Also called: Cardiomyopathies. Identifiers: Orphanet 167848, MedGen C0878544, MONDO:0004994, HP:0001638. Inheritance: Various modes of inheritance.

Submission:

Color Diagnostics, LLC DBA Color Health
Classification: Uncertain significance for Cardiomyopathy. Last evaluated: 2024-03-07. Review status: criteria provided, single submitter. Criteria: ACMG Guidelines, 2015. Collection method: clinical testing. Allele origin: germline.
Comment: This missense variant replaces leucine with phenylalanine at codon 2158 of the DSP protein. Computational prediction tool is inconclusive regarding the impact of this variant on protein structure and function (internally defined REVEL score threshold 0.5 < inconclusive < 0.7, PMID: 27666373). Splice site prediction tools suggest that this variant may not impact RNA splicing. To our knowledge, functional studies have not been performed for this variant. This variant has not been reported in individuals affected with cardiovascular disorders in the literature. This variant has not been identified in the general population by the Genome Aggregation Database (gnomAD). The available evidence is insufficient to determine the role of this variant in disease conclusively. Therefore, this variant is classified as a Variant of Uncertain Significance.